The following is an entry in ClinVar:

ClinVar aggregate classification (germline): Benign. Review status: criteria provided, multiple submitters, no conflicts (2 of 4 stars). 13 submissions from 13 submitters: Benign (9). 4 of the submissions do not count toward it. Last evaluated 2026-02-04.

Conditions:
Spinal muscular atrophy (SMA). Identifiers: MedGen C0026847, MeSH D009134, MONDO:0001516, HP:0007269.
Mitochondrial DNA depletion syndrome 1. Also called: Mitochondrial neurogastrointestinal encephalomyopathy syndrome; POLIP SYNDROME; POLYNEUROPATHY, OPHTHALMOPLEGIA, LEUKOENCEPHALOPATHY, AND INTESTINAL PSEUDOOBSTRUCTION; Mitochondrial Neurogastrointestinal Encephalopathy Disease; MITOCHONDRIAL NEUROGASTROINTESTINAL ENCEPHALOPATHY SYNDROME, TYMP-RELATED; MNGIE, TYMP-RELATED. Identifiers: Orphanet 298, MedGen C4551995, MONDO:0011283, OMIM 603041.

Allele frequency attached by ClinVar (database versions not stated): gnomAD 0.51130 and 0.51945; 1000 Genomes Project 0.53295; ESP Exome Variant Server 0.63048; ExAC 0.67213; TOPMed 0.50858; 1000 Genomes Project 30x 0.52826; gnomAD exomes 0.57458 and 0.61073.
gnomAD v4.1: 855,776 of 1,505,476 alleles (57%); highest among the groups gnomAD compares: East Asian, 71%; 246,359 homozygotes.

Submissions (13):

Labcorp Genetics (formerly Invitae), Labcorp
Classification: Benign. Last evaluated: 2026-02-04. Review status: criteria provided, single submitter. Criteria: Invitae Variant Classification Sherloc (09022015). Collection method: clinical testing. Allele origin: germline.

Blueprint Genetics
Classification: Benign. Last evaluated: 2024-11-28. Review status: criteria provided, single submitter. Criteria: ACMG Guidelines, 2015. Collection method: clinical testing. Allele origin: germline.

ARUP Laboratories, Molecular Genetics and Genomics, ARUP Laboratories
Classification: Benign. Last evaluated: 2023-11-29. Review status: criteria provided, single submitter. Criteria: ARUP Molecular Germline Variant Investigation Process 2024. Collection method: clinical testing. Allele origin: germline.

Genome-Nilou Lab
Classification: Benign for Mitochondrial DNA depletion syndrome 1. Last evaluated: 2021-12-05. Review status: criteria provided, single submitter. Criteria: ACMG Guidelines, 2015. Collection method: clinical testing. Allele origin: germline. Affected: no.

Illumina Laboratory Services, Illumina
Classification: Benign for Mitochondrial DNA depletion syndrome 1. Last evaluated: 2018-01-12. Review status: criteria provided, single submitter. Criteria: ICSL Variant Classification Criteria 13 December 2019. Collection method: clinical testing. Allele origin: germline.
Comment: This variant was observed in the ICSL laboratory as part of a predisposition screen in an ostensibly healthy population. It had not been previously curated by ICSL or reported in the Human Gene Mutation Database (HGMD: prior to June 1st, 2018), and was therefore a candidate for classification through an automated scoring system. Utilizing variant allele frequency, disease prevalence and penetrance estimates, and inheritance mode, an automated score was calculated to assess if this variant is too frequent to cause the disease. Based on the score and internal cut-off values, a variant classified as benign is not then subjected to further curation. The score for this variant resulted in a classification of benign for this disease.

Eurofins Ntd Llc (ga)
Classification: Benign. Last evaluated: 2014-10-10. Review status: criteria provided, single submitter. Criteria: EGL Classification Definitions 2015. Collection method: clinical testing. Allele origin: germline. Observed: 3 variant alleles, 2 heterozygotes, 1 homozygote.

GeneDx
Classification: Benign. Last evaluated: 2011-06-30. Review status: criteria provided, single submitter. Criteria: GeneDx Variant Classification (06012015). Collection method: clinical testing. Allele origin: germline. Affected: yes.
Comment: This variant is considered likely benign or benign based on one or more of the following criteria: it is a conservative change, it occurs at a poorly conserved position in the protein, it is predicted to be benign by multiple in silico algorithms, and/or has population frequency not consistent with disease.

Breakthrough Genomics
Classification: Benign. Review status: criteria provided, single submitter. Criteria: ACMG Guidelines, 2015. Collection method: not provided. Allele origin: germline. Inheritance: Autosomal recessive inheritance. Affected: yes.

PreventionGenetics, part of Exact Sciences
Classification: Benign. Review status: criteria provided, single submitter. Criteria: ACMG Guidelines, 2015. Collection method: clinical testing. Allele origin: germline.

Natera, Inc.
Classification: Benign for Spinal muscular atrophy. Last evaluated: 2020-09-16. Review status: no assertion criteria provided. Collection method: clinical testing. Allele origin: germline. Not counted in ClinVar's aggregate classification.

Mayo Clinic Laboratories, Mayo Clinic
Classification: Benign. Last evaluated: 2016-02-22. Review status: no assertion criteria provided. Collection method: clinical testing. Allele origin: unknown. Not counted in ClinVar's aggregate classification.

Genetic Services Laboratory, University of Chicago
Classification: Likely benign for AllHighlyPenetrant. Review status: no assertion criteria provided. Collection method: clinical testing. Allele origin: germline. Inheritance: Autosomal recessive inheritance. Not counted in ClinVar's aggregate classification.
Comment: Likely benign based on allele frequency in 1000 Genomes Project or ESP global frequency and its presence in a patient with a rare or unrelated disease phenotype. NOT Sanger confirmed.

Joint Genome Diagnostic Labs from Nijmegen and Maastricht, Radboudumc and MUMC+
Classification: Benign. Review status: no assertion criteria provided. Collection method: clinical testing. Allele origin: germline. Affected: yes. Study: VKGL Data-share Consensus. Not counted in ClinVar's aggregate classification.

NM_001953.5(TYMP):c.972C>T (p.Ala324=)

Genes: SCO2 (synthesis of cytochrome C oxidase 2; minus strand), TYMP (thymidine phosphorylase; minus strand), LOC130067862 (ATAC-STARR-seq lymphoblastoid silent region 13986; plus strand). Cytogenetic location: 22q13.33.
Variant type: single nucleotide variant.
Coding change: c.972C>T on transcript NM_001953.5 (MANE Select); coding-DNA position 972, C replaced by T.
Protein change: p.Ala324=; no amino-acid change (alanine 324 retained).
Molecular consequence: synonymous variant. On other transcripts: 5 prime UTR variant (1).
Genome position (GRCh38, 1-based): chr22:50,526,433, G>A on the plus strand (C>T on the coding strand, the complement: TYMP is on the minus strand). VCF-style: chr22-50526433-G-A. GRCh37 (hg19) VCF-style: chr22-50964862-G-A.
Other names: p.A324A:GCC>GCT; c.972C>T, p.Ala324= (NM_001113755.3, NM_001113756.3, NM_001257988.1 and 1 more transcripts); c.-201C>T (NM_001169109.2).
Identifiers: ClinVar variation 130694 (VCV000130694.39), dbSNP rs131804, ClinGen allele CA289134.